The following is an entry in ClinVar:

ClinVar aggregate classification (germline): Pathogenic (1 of 4 stars; one submission).

Conditions:
Primary ciliary dyskinesia 28. Also called: CILIARY DYSKINESIA, PRIMARY, 28, WITH OR WITHOUT SITUS INVERSUS. Identifiers: Orphanet 244, MedGen C3809706, MONDO:0014216, OMIM 615505.

Submission:

Labcorp Genetics (formerly Invitae), Labcorp
Classification: Pathogenic for Primary ciliary dyskinesia 28. Last evaluated: 2025-02-10. Review status: criteria provided, single submitter. Criteria: Invitae Variant Classification Sherloc (09022015). Collection method: clinical testing. Allele origin: germline.
Comment: This sequence change creates a premature translational stop signal (p.Tyr531*) in the SPAG1 gene. It is expected to result in an absent or disrupted protein product. Loss-of-function variants in SPAG1 are known to be pathogenic (PMID: 24055112). This variant is not present in population databases (gnomAD no frequency). This variant has not been reported in the literature in individuals affected with SPAG1-related conditions. For these reasons, this variant has been classified as Pathogenic.

Literature cited by the submitters: PubMed 24055112.

NM_003114.5(SPAG1):c.1593T>G (p.Tyr531Ter)

Gene: SPAG1 (sperm associated antigen 1; plus strand). Cytogenetic location: 8q22.2.
Variant type: single nucleotide variant.
Coding change: c.1593T>G on transcript NM_003114.5 (MANE Select); coding-DNA position 1593, T replaced by G.
Protein change: p.Tyr531Ter; replaces tyrosine 531 with a stop codon.
Molecular consequence: nonsense.
Genome position (GRCh38, 1-based): chr8:100,220,336, T>G. VCF-style: chr8-100220336-T-G. GRCh37 (hg19) VCF-style: chr8-101232564-T-G.
Other names: c.1593T>G, p.Tyr531Ter (NM_001374321.1, NM_172218.3); short protein forms Y531*.
Identifiers: ClinVar variation 4712703 (VCV004712703.1).